The following is an entry in ClinVar:

NM_004408.4(DNM1):c.1335+1637C>T

Gene: DNM1 (dynamin 1; plus strand). Cytogenetic location: 9q34.11.
Variant type: single nucleotide variant.
Coding change: c.1335+1637C>T on transcript NM_004408.4 (MANE Select); 1637 bases into the intron after coding-DNA position 1335, C replaced by T.
Molecular consequence: intron variant.
Genome position (GRCh38, 1-based): chr9:128,226,026, C>T. VCF-style: chr9-128226026-C-T. GRCh37 (hg19) VCF-style: chr9-130988305-C-T.
Other names: c.1335+1637C>T (NM_001005336.3, NM_001374269.1); c.1197-9C>T (NM_001288738.2, NM_001288737.2, NM_001288739.2).
Identifiers: ClinVar variation 3030178 (VCV003030178.2), dbSNP rs529414436, ClinGen allele CA5258080.

ClinVar aggregate classification (germline): Likely benign (0 of 4 stars; one submission).

Conditions:
DNM1-related disorder. Also called: DNM1-related condition.

Allele frequency attached by ClinVar (database versions not stated): ExAC 0.00003; gnomAD exomes 0.00003; gnomAD 0.00005; TOPMed 0.00006.
gnomAD v4.1: 52 of 1,612,136 alleles (0.0032%); highest among the groups gnomAD compares: African/African-American, 0.016%; no homozygotes.

Submission:

PreventionGenetics, part of Exact Sciences
Classification: Likely benign for DNM1-related condition. Last evaluated: 2021-04-30. Review status: no assertion criteria provided. Collection method: clinical testing. Allele origin: germline.
Comment: This variant is classified as likely benign based on ACMG/AMP sequence variant interpretation guidelines (Richards et al. 2015 PMID: 25741868, with internal and published modifications).